The following is an entry in ClinVar:

ClinVar aggregate classification (germline): Benign. Review status: criteria provided, multiple submitters, no conflicts (2 of 4 stars). 2 submissions from 2 submitters: Benign (2). Last evaluated 2018-06-14.

Allele frequency attached by ClinVar (database versions not stated): TOPMed 0.25054; 1000 Genomes Project 30x 0.25968; gnomAD 0.26121 and 0.26308; 1000 Genomes Project 0.26218.
gnomAD v4.1: 312,132 of 1,098,212 alleles (28%); highest among the groups gnomAD compares: South Asian, 31%; 46,096 homozygotes.

Submissions (2):

GeneDx
Classification: Benign. Last evaluated: 2018-06-14. Review status: criteria provided, single submitter. Criteria: GeneDx Variant Classification (06012015). Collection method: clinical testing. Allele origin: germline. Affected: yes.
Comment: This variant is considered likely benign or benign based on one or more of the following criteria: it is a conservative change, it occurs at a poorly conserved position in the protein, it is predicted to be benign by multiple in silico algorithms, and/or has population frequency not consistent with disease.

Breakthrough Genomics
Classification: Benign. Review status: criteria provided, single submitter. Criteria: ACMG Guidelines, 2015. Collection method: not provided. Allele origin: germline. Inheritance: Autosomal recessive inheritance. Affected: yes.

NM_133642.5(LARGE1):c.615+139G>C

Gene: LARGE1 (LARGE xylosyl- and glucuronyltransferase 1; minus strand). Cytogenetic location: 22q12.3.
Variant type: single nucleotide variant.
Coding change: c.615+139G>C on transcript NM_133642.5 (MANE Select); 139 bases into the intron after coding-DNA position 615, G replaced by C.
Molecular consequence: intron variant.
Genome position (GRCh38, 1-based): chr22:33,604,296, C>G on the plus strand (G>C on the coding strand, the complement: LARGE1 is on the minus strand). VCF-style: chr22-33604296-C-G. GRCh37 (hg19) VCF-style: chr22-34000282-C-G.
Other names: c.615+139G>C (NM_001362953.2, NM_001362949.2, NM_001378627.1 and 7 more transcripts).
Identifiers: ClinVar variation 683008 (VCV000683008.2), dbSNP rs695258, ClinGen allele CA14938953.